The following is an entry in ClinVar:

ClinVar aggregate classification (germline): Uncertain significance (1 of 4 stars; one submission).

Submission:

Dasa
Classification: Uncertain significance. Last evaluated: 2025-11-21. Review status: criteria provided, single submitter. Criteria: DASA Assertion Criteria. Collection method: clinical testing. Allele origin: germline.
Comment: NM_018406.7(MUC4):c.11921_11922insACAC (p.Ser3975Hisfs*72) introduces a premature termination codon predicted to result in loss of normal protein function. Loss-of-function is an established mechanism of disease for this gene. The variant is present at low frequency in population datasets. Based on the available data, this variant is classified as variant of uncertain significance.

NM_018406.7(MUC4):c.11921_11922insACAC (p.Ser3975fs)

Gene: MUC4 (mucin 4, cell surface associated). Cytogenetic location: 3q29.
Variant type: Insertion.
Coding change: c.11921_11922insACAC on transcript NM_018406.7 (MANE Select); coding-DNA positions 11921 to 11922, ACAC inserted.
Protein change: p.Ser3975fs; shifts the reading frame from serine 3975.
Molecular consequence: frameshift variant. On other transcripts: intron variant (2).
Genome position: GRCh38 VCF-style: chr3-195779658-A-AGTGT. GRCh37 (hg19) VCF-style: chr3-195506529-A-AGTGT.
Other names: c.83-5354_83-5353insACAC (NM_138297.5); c.83-1204_83-1203insACAC (NM_004532.6); short protein forms S3975fs.
Identifiers: ClinVar variation 4851917 (VCV004851917.1).
Genomic context (GRCh38, chr3:195,779,658, plus strand): 5'-GGATACTGAGGAAGTGTCGGTGACAGGAAGGGGGGTGGCGTGACCTGTGGATGCTGAGGA[A>AGTGT]CGGCTGGTGACAGGAAGAGAGGTGGCGTGACCTGTGGATACTGAGGAAGTGTCGGTGACA-3'